The following is an entry in ClinVar:

NM_020812.4(DOCK6):c.2350G>A (p.Val784Met)

Gene: DOCK6 (dedicator of cytokinesis 6; minus strand). Cytogenetic location: 19p13.2.
Variant type: single nucleotide variant.
Coding change: c.2350G>A on transcript NM_020812.4 (MANE Select); coding-DNA position 2350, G replaced by A.
Protein change: p.Val784Met; replaces valine 784 with methionine.
Molecular consequence: missense variant.
Genome position (GRCh38, 1-based): chr19:11,236,388, C>T on the plus strand (G>A on the coding strand, the complement: DOCK6 is on the minus strand). VCF-style: chr19-11236388-C-T. GRCh37 (hg19) VCF-style: chr19-11347064-C-T.
Other names: c.2350G>A, p.Val784Met (NM_001367830.1); short protein forms V784M.
Identifiers: ClinVar variation 1916383 (VCV001916383.3), dbSNP rs753109339, ClinGen allele CA9207661.

ClinVar aggregate classification (germline): Uncertain significance (1 of 4 stars; one submission).

Allele frequency attached by ClinVar (database versions not stated): TOPMed 0.00002.
gnomAD v4.1: 17 of 1,580,204 alleles (0.0011%); highest among the groups gnomAD compares: Admixed American, 0.0072%; no homozygotes.

Submission:

Labcorp Genetics (formerly Invitae), Labcorp
Classification: Uncertain significance. Last evaluated: 2023-04-14. Review status: criteria provided, single submitter. Criteria: Invitae Variant Classification Sherloc (09022015). Collection method: clinical testing. Allele origin: germline.
Comment: In summary, the available evidence is currently insufficient to determine the role of this variant in disease. Therefore, it has been classified as a Variant of Uncertain Significance. Advanced modeling of protein sequence and biophysical properties (such as structural, functional, and spatial information, amino acid conservation, physicochemical variation, residue mobility, and thermodynamic stability) performed at Invitae indicates that this missense variant is not expected to disrupt DOCK6 protein function. ClinVar contains an entry for this variant (Variation ID: 1916383). This variant has not been reported in the literature in individuals affected with DOCK6-related conditions. The frequency data for this variant in the population databases is considered unreliable, as metrics indicate poor data quality at this position in the gnomAD database. This sequence change replaces valine, which is neutral and non-polar, with methionine, which is neutral and non-polar, at codon 784 of the DOCK6 protein (p.Val784Met).